The following is an entry in ClinVar:

ClinVar aggregate classification (germline): Uncertain significance. Review status: criteria provided, single submitter (1 of 4 stars). 2 submissions from 2 submitters: Uncertain significance (1). 1 of the submissions does not count toward it. Last evaluated 2024-10-22.

Conditions:
Retinal dystrophy. Also called: Inherited retinal dystrophy. Identifiers: Orphanet 71862, MedGen C0854723, MeSH D058499, MONDO:0019118, HP:0000556.

Allele frequency attached by ClinVar (database versions not stated): gnomAD 0.00001; gnomAD exomes 0.00001 and 0.00002; TOPMed 0.00002; ExAC 0.00003.
gnomAD v4.1: 18 of 1,613,650 alleles (0.0011%); highest among the groups gnomAD compares: Non-Finnish European, 0.0014%; no homozygotes.

Submissions (2):

Labcorp Genetics (formerly Invitae), Labcorp
Classification: Uncertain significance. Last evaluated: 2024-10-22. Review status: criteria provided, single submitter. Criteria: Invitae Variant Classification Sherloc (09022015). Collection method: clinical testing. Allele origin: germline.
Comment: This sequence change replaces lysine, which is basic and polar, with glutamic acid, which is acidic and polar, at codon 712 of the CACNA2D4 protein (p.Lys712Glu). This variant is present in population databases (rs771911683, gnomAD 0.01%). This variant has not been reported in the literature in individuals affected with CACNA2D4-related conditions. ClinVar contains an entry for this variant (Variation ID: 1436064). An algorithm developed to predict the effect of missense changes on protein structure and function outputs the following: PolyPhen-2: "Benign". The glutamic acid amino acid residue is found in multiple mammalian species, which suggests that this missense change does not adversely affect protein function. In summary, the available evidence is currently insufficient to determine the role of this variant in disease. Therefore, it has been classified as a Variant of Uncertain Significance.

Institute of Human Genetics, Univ. Regensburg, Univ. Regensburg
Classification: Uncertain significance for Retinal dystrophy. Last evaluated: 2023-01-01. Review status: no assertion criteria provided. Criteria: ACMG Guidelines, 2015. Collection method: clinical testing. Allele origin: germline. Affected: yes. Not counted in ClinVar's aggregate classification.

NM_172364.5(CACNA2D4):c.2134A>G (p.Lys712Glu)

Gene: CACNA2D4 (calcium voltage-gated channel auxiliary subunit alpha2delta 4; minus strand). Cytogenetic location: 12p13.33.
Variant type: single nucleotide variant.
Coding change: c.2134A>G on transcript NM_172364.5 (MANE Select); coding-DNA position 2134, A replaced by G.
Protein change: p.Lys712Glu; replaces lysine 712 with glutamic acid.
Molecular consequence: missense variant.
Genome position (GRCh38, 1-based): chr12:1,856,030, T>C on the plus strand (A>G on the coding strand, the complement: CACNA2D4 is on the minus strand). VCF-style: chr12-1856030-T-C. GRCh37 (hg19) VCF-style: chr12-1965196-T-C.
Other names: short protein forms K712E.
Identifiers: ClinVar variation 1436064 (VCV001436064.9), dbSNP rs771911683, ClinGen allele CA6386839.